The following is an entry in ClinVar:

ClinVar aggregate classification (germline): Uncertain significance. Review status: criteria provided, multiple submitters, no conflicts (2 of 4 stars). 2 submissions from 2 submitters: Uncertain significance (2). Last evaluated 2024-10-22.

Conditions:
Epidermolysis bullosa simplex 5B, with muscular dystrophy (EBS5B). Also called: EPIDERMOLYSIS BULLOSA SIMPLEX AND LIMB-GIRDLE MUSCULAR DYSTROPHY; Epidermolysis bullosa simplex with muscular dystrophy. Identifiers: Orphanet 257, MedGen C2931072, MONDO:0009181, OMIM 226670.
Epidermolysis bullosa simplex, Ogna type (EBS5A). Also called: Pidermolysis bullosa simplex 5A, Ogna type; EPIDERMOLYSIS BULLOSA SIMPLEX 5A, OGNA TYPE. Identifiers: Orphanet 79401, MedGen C0432317, MONDO:0007555, OMIM 131950.
Autosomal recessive limb-girdle muscular dystrophy type 2Q (LGMDR17). Also called: MUSCULAR DYSTROPHY, LIMB-GIRDLE, AUTOSOMAL RECESSIVE 17. Identifiers: Orphanet 254361, MedGen C3150989, MONDO:0013390, OMIM 613723.
Epidermolysis bullosa simplex 5C, with pyloric atresia (EBS5C). Also called: Epidermolysis bullosa simplex with pyloric atresia; PLEC1-Related Epidermolysis Bullosa with Pyloric Atresia; PLEC-Related Epidermolysis Bullosa with Pyloric Atresia. Identifiers: Orphanet 158684, MedGen C2677349, MONDO:0012807, OMIM 612138.
Epidermolysis bullosa simplex with nail dystrophy (EBS5D). Identifiers: MedGen C4225309, MONDO:0014661, OMIM 616487.

Allele frequency attached by ClinVar (database versions not stated): gnomAD exomes below 0.00001.
gnomAD v4.1: 7 of 1,609,938 alleles (0.00043%); highest among the groups gnomAD compares: Non-Finnish European, 0.00042%; no homozygotes.

Submissions (2):

Labcorp Genetics (formerly Invitae), Labcorp
Classification: Uncertain significance for Autosomal recessive limb-girdle muscular dystrophy type 2Q; Epidermolysis bullosa simplex, Ogna type; Epidermolysis bullosa simplex with nail dystrophy; Epidermolysis bullosa simplex 5C, with pyloric atresia; Epidermolysis bullosa simplex 5B, with muscular dystrophy. Last evaluated: 2024-10-22. Review status: criteria provided, single submitter. Criteria: Invitae Variant Classification Sherloc (09022015). Collection method: clinical testing. Allele origin: germline.
Comment: This sequence change replaces arginine, which is basic and polar, with histidine, which is basic and polar, at codon 4432 of the PLEC protein (p.Arg4432His). The frequency data for this variant in the population databases is considered unreliable, as metrics indicate poor data quality at this position in the gnomAD database. This variant has not been reported in the literature in individuals affected with PLEC-related conditions. ClinVar contains an entry for this variant (Variation ID: 501288). Invitae Evidence Modeling of protein sequence and biophysical properties (such as structural, functional, and spatial information, amino acid conservation, physicochemical variation, residue mobility, and thermodynamic stability) indicates that this missense variant is not expected to disrupt PLEC protein function with a negative predictive value of 80%. In summary, the available evidence is currently insufficient to determine the role of this variant in disease. Therefore, it has been classified as a Variant of Uncertain Significance.

Eurofins Ntd Llc (ga)
Classification: Uncertain significance. Last evaluated: 2017-04-18. Review status: criteria provided, single submitter. Criteria: EGL Classification Definitions 2015. Collection method: clinical testing. Allele origin: germline. Observed: 1 variant allele, 1 heterozygote.

NM_201384.3(PLEC):c.13214G>A (p.Arg4405His)

Gene: PLEC (plectin; minus strand). Cytogenetic location: 8q24.3.
Variant type: single nucleotide variant.
Coding change: c.13214G>A on transcript NM_201384.3 (MANE Select); coding-DNA position 13214, G replaced by A.
Protein change: p.Arg4405His; replaces arginine 4405 with histidine.
Molecular consequence: missense variant.
Genome position (GRCh38, 1-based): chr8:143,916,607, C>T on the plus strand (G>A on the coding strand, the complement: PLEC is on the minus strand). VCF-style: chr8-143916607-C-T. GRCh37 (hg19) VCF-style: chr8-144990775-C-T.
Other names: c.13295G>A, p.Arg4432His (NM_000445.5); c.13172G>A, p.Arg4391His (NM_201378.4); c.13148G>A, p.Arg4383His (NM_201379.3); c.13625G>A, p.Arg4542His (NM_201380.4); c.13118G>A, p.Arg4373His (NM_201381.3); c.13214G>A, p.Arg4405His (NM_201382.4); c.13226G>A, p.Arg4409His (NM_201383.3); short protein forms R4373H, R4383H, R4391H, R4405H, R4409H, R4432H, R4542H.
Identifiers: ClinVar variation 501288 (VCV000501288.10), dbSNP rs1554669717, ClinGen allele CA372475958.